The following is an entry in ClinVar:

ClinVar aggregate classification (germline): Benign/Likely benign. Review status: criteria provided, multiple submitters, no conflicts (2 of 4 stars). 3 submissions from 3 submitters: Benign (1); Likely benign (2). Last evaluated 2025-03-19.

Conditions:
Inborn genetic diseases. Identifiers: MedGen C0950123, MeSH D030342.

Allele frequency attached by ClinVar (database versions not stated): gnomAD exomes below 0.00001; gnomAD 0.00002; TOPMed 0.00002.
gnomAD v4.1: 9 of 1,612,576 alleles (0.00056%); highest among the groups gnomAD compares: African/African-American, 0.0053%; no homozygotes.

Submissions (3):

Labcorp Genetics (formerly Invitae), Labcorp
Classification: Benign. Last evaluated: 2025-03-19. Review status: criteria provided, single submitter. Criteria: Invitae Variant Classification Sherloc (09022015). Collection method: clinical testing. Allele origin: germline.

Ambry Genetics
Classification: Likely benign for Inborn genetic diseases. Last evaluated: 2018-12-20. Review status: criteria provided, single submitter. Criteria: Ambry Variant Classification Scheme 2023. Collection method: clinical testing. Allele origin: germline.

GeneDx
Classification: Likely benign. Last evaluated: 2016-05-03. Review status: criteria provided, single submitter. Criteria: GeneDx Variant Classification (06012015). Collection method: clinical testing. Allele origin: germline. Affected: yes.
Comment: This variant is considered likely benign or benign based on one or more of the following criteria: it is a conservative change, it occurs at a poorly conserved position in the protein, it is predicted to be benign by multiple in silico algorithms, and/or has population frequency not consistent with disease.

NM_022455.5(NSD1):c.684A>G (p.Pro228=)

Gene: NSD1 (nuclear receptor binding SET domain protein 1; plus strand). Cytogenetic location: 5q35.3.
Variant type: single nucleotide variant.
Coding change: c.684A>G on transcript NM_022455.5 (MANE Select); coding-DNA position 684, A replaced by G.
Protein change: p.Pro228=; no amino-acid change (proline 228 retained).
Molecular consequence: synonymous variant. On other transcripts: intron variant (8).
Genome position (GRCh38, 1-based): chr5:177,135,787, A>G. VCF-style: chr5-177135787-A-G. GRCh37 (hg19) VCF-style: chr5-176562788-A-G.
Other names: c.684A>G, p.Pro228= (NM_001409301.1, NM_001409302.1, NM_001409303.1); c.418-154A>G (NM_001409304.1); c.-36-154A>G (NM_001409305.1, NM_001409306.1, NM_001409308.1 and 4 more transcripts).
Identifiers: ClinVar variation 385753 (VCV000385753.5), dbSNP rs1057522319, ClinGen allele CA16604766.
Genomic context (GRCh38, chr5:177,135,787, plus strand): 5'-AAGTGAACAAGACAGCACACCAGAGAGTAGACACGGTGCAGTCAAATCGCCATTCTTGCC[A>G]TTAGCTCCTCAGACTGAAACACAGAAAAATAAGCAAAGAAATGAAGTGGACGGCAGCAAT-3'
Protein context (NP_071900.2, residues 218-238): RHGAVKSPFL[Pro228=]LAPQTETQKN